The following is an entry in ClinVar:

NM_001367823.1(ARHGEF18):c.3407G>T (p.Arg1136Leu)

Gene: ARHGEF18 (Rho/Rac guanine nucleotide exchange factor 18; plus strand). Cytogenetic location: 19p13.2.
Variant type: single nucleotide variant.
Coding change: c.3407G>T on transcript NM_001367823.1 (MANE Select); coding-DNA position 3407, G replaced by T.
Protein change: p.Arg1136Leu; replaces arginine 1136 with leucine.
Molecular consequence: missense variant.
Genome position (GRCh38, 1-based): chr19:7,467,611, G>T. VCF-style: chr19-7467611-G-T. GRCh37 (hg19) VCF-style: chr19-7532497-G-T.
Other names: c.2681G>T, p.Arg894Leu (NM_001130955.2); c.2369G>T, p.Arg790Leu (NM_001367824.1, NM_015318.4); short protein forms R1136L, R790L, R894L.
Identifiers: ClinVar variation 2083154 (VCV002083154.4), dbSNP rs2512344801, ClinGen allele CA403089603.

ClinVar aggregate classification (germline): Uncertain significance (1 of 4 stars; one submission).

Submission:

Labcorp Genetics (formerly Invitae), Labcorp
Classification: Uncertain significance. Last evaluated: 2022-08-31. Review status: criteria provided, single submitter. Criteria: Invitae Variant Classification Sherloc (09022015). Collection method: clinical testing. Allele origin: germline.
Comment: In summary, the available evidence is currently insufficient to determine the role of this variant in disease. Therefore, it has been classified as a Variant of Uncertain Significance. Algorithms developed to predict the effect of missense changes on protein structure and function (SIFT, PolyPhen-2, Align-GVGD) all suggest that this variant is likely to be disruptive. This variant has not been reported in the literature in individuals affected with ARHGEF18-related conditions. This variant is not present in population databases (gnomAD no frequency). This sequence change replaces arginine, which is basic and polar, with leucine, which is neutral and non-polar, at codon 948 of the ARHGEF18 protein (p.Arg948Leu).